The following is an entry in ClinVar:

NM_005045.4(RELN):c.4260G>A (p.Gly1420=)

Gene: RELN (reelin; minus strand). Cytogenetic location: 7q22.1.
Variant type: single nucleotide variant.
Coding change: c.4260G>A on transcript NM_005045.4 (MANE Select); coding-DNA position 4260, G replaced by A.
Protein change: p.Gly1420=; no amino-acid change (glycine 1420 retained).
Molecular consequence: synonymous variant.
Genome position (GRCh38, 1-based): chr7:103,575,591, C>T on the plus strand (G>A on the coding strand, the complement: RELN is on the minus strand). VCF-style: chr7-103575591-C-T. GRCh37 (hg19) VCF-style: chr7-103216038-C-T.
Other names: c.4260G>A, p.Gly1420= (NM_173054.3); c.4260G>A (NM_005045.3).
Identifiers: ClinVar variation 288030 (VCV000288030.16), dbSNP rs150518726, ClinGen allele CA4421564.
Genomic context (GRCh38, chr7:103,575,591, plus strand): 5'-CATGTATTTAGCCTTACCAGTATATCCCAGGTCACAGAAACACACTCCTGAAATGCAGTC[C>T]CCATGGCCACTGCAGTAACTGGGACAAGGCTCGGATATGTACACTCCATCTAAACCAAAT-3'
Protein context (NP_005036.2, residues 1410-1430): EPCPSYCSGH[Gly1420=]DCISGVCFCD

ClinVar aggregate classification (germline): Conflicting classifications of pathogenicity. Review status: criteria provided, conflicting classifications (1 of 4 stars). 4 submissions from 4 submitters: Uncertain significance (1); Likely benign (2). 1 of the submissions does not count toward it. Last evaluated 2026-01-11.

Conditions:
RELN-related disorder. Also called: RELN-related condition.
Familial temporal lobe epilepsy 7. Identifiers: Orphanet 101046, MedGen C4225327, MONDO:0014639, OMIM 616436.
Norman-Roberts syndrome (LIS2). Also called: Lissencephaly 2 (Norman-Roberts type). Identifiers: Orphanet 89844, MedGen C0796089, MONDO:0009760, OMIM 257320.

Allele frequency attached by ClinVar (database versions not stated): gnomAD exomes 0.00006 and 0.00007; ExAC 0.00007; gnomAD 0.00019; TOPMed 0.00022; ESP Exome Variant Server 0.00023; 1000 Genomes Project 0.00060; 1000 Genomes Project 30x 0.00078.
gnomAD v4.1: 130 of 1,613,972 alleles (0.0081%); highest among the groups gnomAD compares: African/African-American, 0.039%; no homozygotes.

Submissions (4):

Labcorp Genetics (formerly Invitae), Labcorp
Classification: Likely benign for Familial temporal lobe epilepsy 7; Norman-Roberts syndrome. Last evaluated: 2026-01-11. Review status: criteria provided, single submitter. Criteria: Invitae Variant Classification Sherloc (09022015). Collection method: clinical testing. Allele origin: germline.

Blueprint Genetics
Classification: Likely benign. Last evaluated: 2019-01-11. Review status: criteria provided, single submitter. Criteria: ACMG Guidelines, 2015. Collection method: clinical testing. Allele origin: germline.

Eurofins Ntd Llc (ga)
Classification: Uncertain significance. Last evaluated: 2016-06-09. Review status: criteria provided, single submitter. Criteria: EGL Classification Definitions 2015. Collection method: clinical testing. Allele origin: germline. Observed: 2 variant alleles, 2 heterozygotes.

PreventionGenetics, part of Exact Sciences
Classification: Likely benign for RELN-related condition. Last evaluated: 2024-02-26. Review status: no assertion criteria provided. Collection method: clinical testing. Allele origin: germline. Not counted in ClinVar's aggregate classification.
Comment: This variant is classified as likely benign based on ACMG/AMP sequence variant interpretation guidelines (Richards et al. 2015 PMID: 25741868, with internal and published modifications).